The following is an entry in ClinVar:

NM_024079.5(ALG8):c.133G>A (p.Ala45Thr)

Gene: ALG8 (ALG8 alpha-1,3-glucosyltransferase; minus strand). Cytogenetic location: 11q14.1.
Variant type: single nucleotide variant.
Coding change: c.133G>A on transcript NM_024079.5 (MANE Select); coding-DNA position 133, G replaced by A.
Protein change: p.Ala45Thr; replaces alanine 45 with threonine.
Molecular consequence: missense variant. On other transcripts: 5 prime UTR variant (4), non-coding transcript variant (2), intron variant (4).
Genome position (GRCh38, 1-based): chr11:78,127,399, C>T on the plus strand (G>A on the coding strand, the complement: ALG8 is on the minus strand). VCF-style: chr11-78127399-C-T. GRCh37 (hg19) VCF-style: chr11-77838445-C-T.
Other names: c.133G>A, p.Ala45Thr (NM_001425221.1, NM_001425222.1, NM_001425223.1 and 14 more transcripts); c.-132G>A (NM_001425234.1, NM_001425239.1); c.-380G>A (NM_001425241.1); c.-418G>A (NM_001425242.1); c.96-3307G>A (NM_001425231.1); c.22-3185G>A (NM_001425235.1, NM_001425226.1, NM_001425236.1); c.136G>A, p.Ala46Thr (NM_001425219.1); short protein forms A45T, A46T.
Identifiers: ClinVar variation 5016940 (VCV005016940.1).
Genomic context (GRCh38, chr11:78,127,399, plus strand): 5'-GGTGAAAATTAAAACTTACCTCATAATACCACTGTGATATTGGCAAACTGTGAGTGATAG[C>T]AAGCCAGTTTCGGTGTACTTCAAAATCTGTGGAATGGCTACTCAAAACAATTAGATAAAT-3'
Protein context (NP_076984.2, residues 35-55): TDFEVHRNWL[Ala45Thr]ITHSLPISQW

ClinVar aggregate classification (germline): Uncertain significance (1 of 4 stars; one submission).

gnomAD v4.1: 3 of 1,613,474 alleles (0.00019%); highest among the groups gnomAD compares: Non-Finnish European, 0.00025%; no homozygotes.

Submission:

GeneDx
Classification: Uncertain significance. Last evaluated: 2026-03-19. Review status: criteria provided, single submitter. Criteria: GeneDx Variant Classification Process June 2021. Collection method: clinical testing. Allele origin: germline.
Comment: Not observed at significant frequency in large population cohorts (gnomAD); In silico analysis supports that this missense variant has a deleterious effect on protein structure/function; Has not been previously published as pathogenic or benign to our knowledge